The following is an entry in ClinVar:

NM_000156.6(GAMT):c.288C>G (p.Phe96Leu)

Gene: GAMT (guanidinoacetate N-methyltransferase; minus strand). Cytogenetic location: 19p13.3.
Variant type: single nucleotide variant.
Coding change: c.288C>G on transcript NM_000156.6 (MANE Select); coding-DNA position 288, C replaced by G.
Protein change: p.Phe96Leu; replaces phenylalanine 96 with leucine.
Molecular consequence: missense variant.
Genome position (GRCh38, 1-based): chr19:1,399,832, G>C on the plus strand (C>G on the coding strand, the complement: GAMT is on the minus strand). VCF-style: chr19-1399832-G-C. GRCh37 (hg19) VCF-style: chr19-1399831-G-C.
Other names: c.288C>G, p.Phe96Leu (NM_138924.3); short protein forms F96L.
Identifiers: ClinVar variation 653395 (VCV000653395.9), dbSNP rs1600159259, ClinGen allele CA402996319.
Genomic context (GRCh38, chr19:1,399,832, plus strand): 5'-GGCCTGCGGGCAGAGGGGCACCTTGTGTGTCTGCCGTGGGGCCCAGTCCCGGAGCCGCTG[G>C]AAGACGCCGTCATTGCACTCGATGATCCAATGCTCATCAATGGGCGCCTCCTGCACCTTT-3'
Protein context (NP_000147.1, residues 86-106): HWIIECNDGV[Phe96Leu]QRLRDWAPRQ

ClinVar aggregate classification (germline): Uncertain significance (1 of 4 stars; one submission).

Conditions:
Cerebral creatine deficiency syndrome. Also called: Creatine deficiency syndromes. Identifiers: Orphanet 79172, MedGen C5244016, MONDO:0000456.

Submission:

Labcorp Genetics (formerly Invitae), Labcorp
Classification: Uncertain significance for Cerebral creatine deficiency syndrome. Last evaluated: 2018-12-13. Review status: criteria provided, single submitter. Criteria: Invitae Variant Classification Sherloc (09022015). Collection method: clinical testing. Allele origin: germline.
Comment: This sequence change replaces phenylalanine with leucine at codon 96 of the GAMT protein (p.Phe96Leu). The phenylalanine residue is highly conserved and there is a small physicochemical difference between phenylalanine and leucine. This variant is not present in population databases (ExAC no frequency). This variant has not been reported in the literature in individuals with GAMT-related conditions. Algorithms developed to predict the effect of missense changes on protein structure and function are either unavailable or do not agree on the potential impact of this missense change (SIFT: "Deleterious"; PolyPhen-2: "Benign"; Align-GVGD: "Class C0"). In summary, the available evidence is currently insufficient to determine the role of this variant in disease. Therefore, it has been classified as a Variant of Uncertain Significance.